The following is an entry in ClinVar:

NM_001270616.2(PROX1):c.183T>C (p.His61=)

Gene: PROX1 (prospero homeobox 1; plus strand). Cytogenetic location: 1q32.3.
Variant type: single nucleotide variant.
Coding change: c.183T>C on transcript NM_001270616.2 (MANE Select); coding-DNA position 183, T replaced by C.
Protein change: p.His61=; no amino-acid change (histidine 61 retained).
Molecular consequence: synonymous variant.
Genome position (GRCh38, 1-based): chr1:213,996,718, T>C. VCF-style: chr1-213996718-T-C. GRCh37 (hg19) VCF-style: chr1-214170061-T-C.
Other names: c.183T>C, p.His61= (NM_002763.5).
Identifiers: ClinVar variation 745885 (VCV000745885.23), dbSNP rs148422967, ClinGen allele CA1387843.

ClinVar aggregate classification (germline): Likely benign. Review status: criteria provided, multiple submitters, no conflicts (2 of 4 stars). 2 submissions from 2 submitters: Likely benign (2). Last evaluated 2024-03-01.

Allele frequency attached by ClinVar (database versions not stated): ESP Exome Variant Server 0.00015; TOPMed 0.00019; gnomAD exomes 0.00024 and 0.00031; gnomAD 0.00030 and 0.00033; ExAC 0.00035.
gnomAD v4.1: 392 of 1,614,078 alleles (0.024%); highest among the groups gnomAD compares: Non-Finnish European, 0.024%; no homozygotes.

Submissions (2):

CeGaT Center for Human Genetics Tuebingen
Classification: Likely benign. Last evaluated: 2024-03-01. Review status: criteria provided, single submitter. Criteria: CeGaT Center For Human Genetics Tuebingen Variant Classification Criteria Version 2. Collection method: clinical testing. Allele origin: germline. Affected: yes. Observed: 1 variant allele.
Comment: PROX1: BP4, BP7

Labcorp Genetics (formerly Invitae), Labcorp
Classification: Likely benign. Last evaluated: 2018-05-21. Review status: criteria provided, single submitter. Criteria: Invitae Variant Classification Sherloc (09022015). Collection method: clinical testing. Allele origin: germline.